The following is an entry in ClinVar:

NM_001360.3(DHCR7):c.440G>A (p.Gly147Asp)

Gene: DHCR7 (7-dehydrocholesterol reductase; minus strand). Cytogenetic location: 11q13.4.
Variant type: single nucleotide variant.
Coding change: c.440G>A on transcript NM_001360.3 (MANE Select); coding-DNA position 440, G replaced by A.
Protein change: p.Gly147Asp; replaces glycine 147 with aspartic acid.
Molecular consequence: missense variant.
Genome position (GRCh38, 1-based): chr11:71,441,413, C>T on the plus strand (G>A on the coding strand, the complement: DHCR7 is on the minus strand). VCF-style: chr11-71441413-C-T. GRCh37 (hg19) VCF-style: chr11-71152459-C-T.
Other names: c.440G>A, p.Gly147Asp (NM_001163817.2); short protein forms G147D.
Identifiers: ClinVar variation 381657 (VCV000381657.32), dbSNP rs777425801, ClinGen allele CA6162559.

ClinVar aggregate classification (germline): Pathogenic/Likely pathogenic. Review status: criteria provided, multiple submitters, no conflicts (2 of 4 stars). 11 submissions from 11 submitters: Pathogenic (4); Likely pathogenic (6). 1 of the submissions does not count toward it. Last evaluated 2026-09-21.

Conditions:
DHCR7-related disorder. Also called: DHCR7-related condition.
Smith-Lemli-Opitz syndrome (SLOS). Also called: LETHAL ACRODYSGENITAL SYNDROME; 7-Dehydrocholesterol reductase deficiency; POLYDACTYLY, SEX REVERSAL, RENAL HYPOPLASIA, AND UNILOBAR LUNG; RSH SYNDROME; RUTLEDGE LETHAL MULTIPLE CONGENITAL ANOMALY SYNDROME. Identifiers: Orphanet 818, MedGen C0175694, MONDO:0010035, OMIM 270400.

Allele frequency attached by ClinVar (database versions not stated): ExAC 0.00007; TOPMed 0.00008; gnomAD 0.00009; gnomAD exomes 0.00009.
gnomAD v4.1: 154 of 1,613,726 alleles (0.0095%); highest among the groups gnomAD compares: Non-Finnish European, 0.012%; no homozygotes.

Submissions (11):

PreventionGenetics, part of Exact Sciences
Classification: Pathogenic for DHCR7-related condition. Last evaluated: 2026-09-21. Review status: criteria provided, single submitter. Criteria: ACMG Guidelines, 2015. Collection method: clinical testing. Allele origin: germline.
Comment: The DHCR7 c.440G>A variant is predicted to result in the amino acid substitution p.Gly147Asp. This variant has been reported with a second DHCR7 variant in several individuals with Smith-Lemli-Opitz syndrome (Witsch-Baumgartner et al. 2000. PubMed ID: 10677299; Krakowiak et al. 2000. PubMed ID: 10995508; Wassif et al. 2005. PubMed ID: 15896653). This variant is reported in 0.017% of alleles in individuals of European (non-Finnish) descent in gnomAD. This variant is interpreted as pathogenic.

Dasa
Classification: Likely pathogenic. Last evaluated: 2026-01-30. Review status: criteria provided, single submitter. Criteria: DASA Assertion Criteria. Collection method: clinical testing. Allele origin: germline.
Comment: NM_001360.3(DHCR7):c.440G>A (p.Gly147Asp) is a missense variant that results in the substitution of glycine with aspartic acid. This variant has been recurrently observed in individuals with DHCR7-related disorders (PMID: 15896653; PMID: 12818773). Also, this variant is rare in population databases. Computational evidence supports a deleterious effect. Based on the currently available evidence, this variant is classified as likely pathogenic.

Labcorp Genetics (formerly Invitae), Labcorp
Classification: Pathogenic for Smith-Lemli-Opitz syndrome. Last evaluated: 2026-01-20. Review status: criteria provided, single submitter. Criteria: Invitae Variant Classification Sherloc (09022015). Collection method: clinical testing. Allele origin: germline.
Comment: This sequence change replaces glycine, which is neutral and non-polar, with aspartic acid, which is acidic and polar, at codon 147 of the DHCR7 protein (p.Gly147Asp). This variant is present in population databases (rs777425801, gnomAD 0.02%). This missense change has been observed in individuals with Smith–Lemli–Opitz syndrome (PMID: 10995508, 12818773). ClinVar contains an entry for this variant (Variation ID: 381657). Invitae Evidence Modeling of protein sequence and biophysical properties (such as structural, functional, and spatial information, amino acid conservation, physicochemical variation, residue mobility, and thermodynamic stability) indicates that this missense variant is expected to disrupt DHCR7 protein function with a positive predictive value of 95%. For these reasons, this variant has been classified as Pathogenic.

Natera, Inc.
Classification: Likely pathogenic for Smith-Lemli-Opitz syndrome. Last evaluated: 2025-09-02. Review status: criteria provided, single submitter. Criteria: Natera Variant Classification Schema (03/2026). Collection method: clinical testing. Allele origin: germline.
Comment: The c.440G>A variant in DHCR7 is a missense variant predicted to cause substitution of glycine to aspartic acid at amino acid 147. This variant is rare in the general population with a frequency below the threshold expected for the associated phenotype(s). This variant has been observed in one or more individuals affected with the associated recessive disease, as either homozygous or compound heterozygous with a second variant (PMID: 10995508, 21706511, 12818773). Additionally, this variant has been observed to segregate in affected family members (PMID: 21706511). Computational prediction algorithms indicate this variant is likely to affect gene or protein function. Given the available evidence, this variant is classified as Likely Pathogenic.

Laboratoire de Génétique Moléculaire, CHU Bordeaux
Classification: Likely pathogenic for Smith-Lemli-Opitz syndrome. Last evaluated: 2025-06-06. Review status: criteria provided, single submitter. Criteria: ACMG Guidelines, 2015. Collection method: clinical testing. Allele origin: germline. Affected: yes.

GeneDx
Classification: Likely pathogenic. Last evaluated: 2024-12-24. Review status: criteria provided, single submitter. Criteria: GeneDx Variant Classification Process June 2021. Collection method: clinical testing. Allele origin: germline. Affected: yes.
Comment: In silico analysis supports that this missense variant has a deleterious effect on protein structure/function; This variant is associated with the following publications: (PMID: 21706511, 28250423, 10677299, 31980526, 29770994, 12818773, 27401223, 15896653, 10995508)

Blueprint Genetics
Classification: Pathogenic for DHCR7-related disorders. Last evaluated: 2024-09-17. Review status: criteria provided, single submitter. Criteria: ACMG Guidelines, 2015. Collection method: clinical testing. Allele origin: germline. Affected: yes. Observed: 5 variant alleles.

Fulgent Genetics
Classification: Likely pathogenic for Smith-Lemli-Opitz syndrome. Last evaluated: 2024-05-16. Review status: criteria provided, single submitter. Criteria: ACMG Guidelines, 2015. Collection method: clinical testing. Allele origin: germline.

Women's Health and Genetics/Laboratory Corporation of America, LabCorp
Classification: Pathogenic for Smith-Lemli-Opitz syndrome. Last evaluated: 2020-12-23. Review status: criteria provided, single submitter. Criteria: LabCorp Variant Classification Summary - May 2015. Collection method: clinical testing. Allele origin: germline.
Comment: Variant summary: DHCR7 c.440G>A (p.Gly147Asp) results in a non-conservative amino acid change in the encoded protein sequence. Five of five in-silico tools predict a damaging effect of the variant on protein function. The variant allele was found at a frequency of 8.8e-05 in 248932 control chromosomes (gnomAD). This frequency is not significantly higher than expected for a pathogenic variant in DHCR7 causing Smith-Lemli-Opitz Syndrome (8.8e-05 vs 0.0043), allowing no conclusion about variant significance. c.440G>A has been reported in the literature in multiple individuals affected with Smith-Lemli-Opitz Syndrome (e.g. Witsch-Baumgartner_2000, Krakowiak_2000, Goldenberg_2003, Petracchi_2011). These data indicate that the variant is very likely to be associated with disease. To our knowledge, no experimental evidence demonstrating an impact on protein function has been reported. Three other clinical diagnostic laboratories have submitted clinical-significance assessments for this variant to ClinVar after 2014 without evidence for independent evaluation. All laboratories classified the variant as likely pathogenic. Based on the evidence outlined above, the variant was classified as pathogenic.

Revvity Omics, Revvity
Classification: Likely pathogenic for Smith-Lemli-Opitz syndrome. Last evaluated: 2019-03-13. Review status: criteria provided, single submitter. Criteria: ACMG Guidelines, 2015. Collection method: clinical testing. Allele origin: germline.

Counsyl
Classification: Likely pathogenic for Smith-Lemli-Opitz syndrome. Last evaluated: 2017-03-21. Review status: no assertion criteria provided. Collection method: clinical testing. Allele origin: unknown. Not counted in ClinVar's aggregate classification.

Literature cited by the submitters: PubMed 15896653 (cited by Dasa and Counsyl); PubMed 12818773 (cited by 5 submitters); PubMed 10995508 (cited by 3 submitters); PubMed 21706511 (cited by 3 submitters); PubMed 10677299 (cited by Women's Health and Genetics/Laboratory Corporation of America, LabCorp and Counsyl).